The following is an entry in ClinVar:

ClinVar aggregate classification (germline): Benign. Review status: criteria provided, multiple submitters, no conflicts (2 of 4 stars). 3 submissions from 3 submitters: Benign (2). 1 of the submissions does not count toward it. Last evaluated 2025-09-21.

Conditions:
FZD5-related disorder. Also called: FZD5-related condition.

Allele frequency attached by ClinVar (database versions not stated): gnomAD exomes 0.00434; ExAC 0.00507; ESP Exome Variant Server 0.01343; gnomAD 0.01473 and 0.01584; TOPMed 0.01566; 1000 Genomes Project 0.01897; 1000 Genomes Project 30x 0.02030.

Submissions (3):

Labcorp Genetics (formerly Invitae), Labcorp
Classification: Benign. Last evaluated: 2025-09-21. Review status: criteria provided, single submitter. Criteria: Invitae Variant Classification Sherloc (09022015). Collection method: clinical testing. Allele origin: germline.

Breakthrough Genomics
Classification: Benign. Review status: criteria provided, single submitter. Criteria: ACMG Guidelines, 2015. Collection method: not provided. Allele origin: germline. Inheritance: Unknown mechanism. Affected: yes.

PreventionGenetics, part of Exact Sciences
Classification: Benign for FZD5-related condition. Last evaluated: 2019-06-28. Review status: no assertion criteria provided. Collection method: clinical testing. Allele origin: germline. Not counted in ClinVar's aggregate classification.
Comment: This variant is classified as benign based on ACMG/AMP sequence variant interpretation guidelines (Richards et al. 2015 PMID: 25741868, with internal and published modifications).

NM_003468.4(FZD5):c.1680C>T (p.Ser560=)

Gene: FZD5 (frizzled class receptor 5; minus strand). Cytogenetic location: 2q33.3.
Variant type: single nucleotide variant.
Coding change: c.1680C>T on transcript NM_003468.4 (MANE Select); coding-DNA position 1680, C replaced by T.
Protein change: p.Ser560=; no amino-acid change (serine 560 retained).
Molecular consequence: synonymous variant.
Genome position (GRCh38, 1-based): chr2:207,767,060, G>A on the plus strand (C>T on the coding strand, the complement: FZD5 is on the minus strand). VCF-style: chr2-207767060-G-A. GRCh37 (hg19) VCF-style: chr2-208631784-G-A.
Identifiers: ClinVar variation 780859 (VCV000780859.12), dbSNP rs58365448, ClinGen allele CA2076859.